The following is an entry in ClinVar:

NM_007198.4(PLPBP):c.783C>T (p.Cys261=)

Gene: PLPBP (pyridoxal phosphate binding protein; plus strand). Cytogenetic location: 8p11.23.
Variant type: single nucleotide variant.
Coding change: c.783C>T on transcript NM_007198.4 (MANE Select); coding-DNA position 783, C replaced by T.
Protein change: p.Cys261=; no amino-acid change (cysteine 261 retained).
Molecular consequence: synonymous variant.
Genome position (GRCh38, 1-based): chr8:37,778,059, C>T. VCF-style: chr8-37778059-C-T. GRCh37 (hg19) VCF-style: chr8-37635577-C-T.
Other names: c.813C>T, p.Cys271= (NM_001349346.2); c.777C>T, p.Cys259= (NM_001349347.2); c.627C>T, p.Cys209= (NM_001349348.2).
Identifiers: ClinVar variation 2163310 (VCV002163310.9), dbSNP rs202115195, ClinGen allele CA4711363.

ClinVar aggregate classification (germline): Benign/Likely benign. Review status: criteria provided, multiple submitters, no conflicts (2 of 4 stars). 3 submissions from 3 submitters: Benign (1); Likely benign (2). Last evaluated 2026-03-01.

Allele frequency attached by ClinVar (database versions not stated): gnomAD exomes 0.00010; gnomAD 0.00015; TOPMed 0.00024; ExAC 0.00027; 1000 Genomes Project 30x 0.00031; 1000 Genomes Project 0.00040.
gnomAD v4.1: 169 of 1,613,752 alleles (0.01%); highest among the groups gnomAD compares: East Asian, 0.25%; no homozygotes.

Submissions (3):

CeGaT Center for Human Genetics Tuebingen
Classification: Likely benign. Last evaluated: 2026-03-01. Review status: criteria provided, single submitter. Criteria: CeGaT Center For Human Genetics Tuebingen Variant Classification Criteria Version 2. Collection method: clinical testing. Allele origin: germline. Affected: yes. Observed: 1 variant allele.
Comment: PLPBP: BP4, BP7

Labcorp Genetics (formerly Invitae), Labcorp
Classification: Benign. Last evaluated: 2025-10-24. Review status: criteria provided, single submitter. Criteria: Invitae Variant Classification Sherloc (09022015). Collection method: clinical testing. Allele origin: germline.

Blueprint Genetics
Classification: Likely benign. Last evaluated: 2021-11-04. Review status: criteria provided, single submitter. Criteria: ACMG Guidelines, 2015. Collection method: clinical testing. Allele origin: germline.